The following is an entry in ClinVar:

ClinVar aggregate classification (germline): Uncertain significance (1 of 4 stars; one submission).

Conditions:
Neuropathy, hereditary sensory and autonomic, type 2A (HSAN2A). Also called: ACROOSTEOLYSIS, GIACCAI TYPE; ACROOSTEOLYSIS, NEUROGENIC; MORVAN DISEASE; NEUROPATHY, CONGENITAL SENSORY; NEUROPATHY, HEREDITARY SENSORY RADICULAR, AUTOSOMAL RECESSIVE; NEUROPATHY, HEREDITARY SENSORY, TYPE IIA. Identifiers: Orphanet 970, MedGen C2752089, MONDO:0024309, OMIM 201300.
Pseudohypoaldosteronism type 2C (PHA2C). Also called: Pseudohypoaldosteronism Type IIC. Identifiers: Orphanet 757, Orphanet 88940, MedGen C1840391, MONDO:0013778, OMIM 614492.

Submission:

Labcorp Genetics (formerly Invitae), Labcorp
Classification: Uncertain significance for Neuropathy, hereditary sensory and autonomic, type 2A; Pseudohypoaldosteronism type 2C. Last evaluated: 2022-03-26. Review status: criteria provided, single submitter. Criteria: Invitae Variant Classification Sherloc (09022015). Collection method: clinical testing. Allele origin: germline.
Comment: This variant, c.3429_3431del, results in the deletion of 1 amino acid(s) of the WNK1 protein (p.Ser1144del), but otherwise preserves the integrity of the reading frame. This variant is not present in population databases (gnomAD no frequency). This variant has not been reported in the literature in individuals affected with WNK1-related conditions. Experimental studies and prediction algorithms are not available or were not evaluated, and the functional significance of this variant is currently unknown. In summary, the available evidence is currently insufficient to determine the role of this variant in disease. Therefore, it has been classified as a Variant of Uncertain Significance.

NM_213655.5(WNK1):c.3426TTC[1] (p.Ser1144del)

Gene: WNK1 (WNK lysine deficient protein kinase 1; plus strand). Cytogenetic location: 12p13.33.
Variant type: Microsatellite.
Coding change: c.3426TTC[1] on transcript NM_213655.5 (MANE Plus Clinical); one copy of the 3-base unit TTC starting at c.3426; the reference has two copies in a row; one copy, 3 bases deleted.
Protein change: p.Ser1144del; deletes serine 1144.
Molecular consequence: inframe deletion. On other transcripts: intron variant (2).
Genome position (GRCh38, 1-based): chr12:868,900-868,902, TTC deleted; deleting any 3 consecutive bases within chr12:868,896-868,902 gives the same sequence; the position shown is the placement nearest the transcript's 3' end. VCF-style (leftmost placement, unchanged base first): chr12-868895-ACTT-A. GRCh37 (hg19) VCF-style: chr12-978061-ACTT-A.
Other names: c.3171TTC[1], p.Ser1059del (NM_001184985.2); c.2140-2365_2140-2363del (NM_018979.4, NM_014823.3); short protein forms S1059del, S1144del.
Identifiers: ClinVar variation 2117654 (VCV002117654.4), dbSNP rs2548803955, ClinGen allele CA2580615109.
Genomic context (GRCh38, chr12:868,895, plus strand): 5'-CCTATCGGACAGAACTGGCCAATAGGAAGCCCAGAATATTCCAGTGATTCCTCACAAATC[ACTT>A]CTTCAGACCCCAGTGATTTTCAGTCACCTCCCCCTACAGGGGGAGCAGCTGCACCTTTTG-3'